The following is an entry in ClinVar:

NM_144499.3(GNAT1):c.497C>T (p.Thr166Ile)

Gene: GNAT1 (G protein subunit alpha transducin 1; plus strand). Cytogenetic location: 3p21.31.
Variant type: single nucleotide variant.
Coding change: c.497C>T on transcript NM_144499.3 (MANE Select); coding-DNA position 497, C replaced by T.
Protein change: p.Thr166Ile; replaces threonine 166 with isoleucine.
Molecular consequence: missense variant.
Genome position (GRCh38, 1-based): chr3:50,193,800, C>T. VCF-style: chr3-50193800-C-T. GRCh37 (hg19) VCF-style: chr3-50231233-C-T.
Other names: c.497C>T, p.Thr166Ile (NM_000172.4); short protein forms T166I.
Identifiers: ClinVar variation 3249084 (VCV003249084.2).

ClinVar aggregate classification (germline): Uncertain significance. Review status: criteria provided, single submitter (1 of 4 stars). 2 submissions from 2 submitters: Uncertain significance (1). 1 of the submissions does not count toward it. Last evaluated 2025-07-31.

Conditions:
Retinal dystrophy. Also called: Inherited retinal dystrophy. Identifiers: Orphanet 71862, MedGen C0854723, MeSH D058499, MONDO:0019118, HP:0000556.

gnomAD v4.1: 3 of 1,612,888 alleles (0.00019%); highest among the groups gnomAD compares: African/African-American, 0.0013%; no homozygotes.

Submissions (2):

Labcorp Genetics (formerly Invitae), Labcorp
Classification: Uncertain significance. Last evaluated: 2025-07-31. Review status: criteria provided, single submitter. Criteria: Invitae Variant Classification Sherloc (09022015). Collection method: clinical testing. Allele origin: germline.
Comment: This sequence change replaces threonine, which is neutral and polar, with isoleucine, which is neutral and non-polar, at codon 166 of the GNAT1 protein (p.Thr166Ile). This variant is not present in population databases (gnomAD no frequency). This variant has not been reported in the literature in individuals affected with GNAT1-related conditions. ClinVar contains an entry for this variant (Variation ID: 3249084). Invitae Evidence Modeling of protein sequence and biophysical properties (such as structural, functional, and spatial information, amino acid conservation, physicochemical variation, residue mobility, and thermodynamic stability) indicates that this missense variant is not expected to disrupt GNAT1 protein function with a negative predictive value of 80%. In summary, the available evidence is currently insufficient to determine the role of this variant in disease. Therefore, it has been classified as a Variant of Uncertain Significance.

Institute of Human Genetics, Univ. Regensburg, Univ. Regensburg
Classification: Uncertain significance for Retinal dystrophy. Last evaluated: 2022-01-01. Review status: no assertion criteria provided. Criteria: ACMG Guidelines, 2015. Collection method: clinical testing. Allele origin: germline. Affected: yes. Not counted in ClinVar's aggregate classification.